The following is an entry in ClinVar:

NM_002474.3(MYH11):c.2141G>T (p.Gly714Val)

Gene: MYH11 (myosin heavy chain 11; minus strand). Cytogenetic location: 16p13.11.
Variant type: single nucleotide variant.
Coding change: c.2141G>T on transcript NM_002474.3 (MANE Select); coding-DNA position 2141, G replaced by T.
Protein change: p.Gly714Val; replaces glycine 714 with valine.
Molecular consequence: missense variant.
Genome position (GRCh38, 1-based): chr16:15,748,086, C>A on the plus strand (G>T on the coding strand, the complement: MYH11 is on the minus strand). VCF-style: chr16-15748086-C-A. GRCh37 (hg19) VCF-style: chr16-15841943-C-A.
Other names: c.2162G>T, p.Gly721Val (NM_001040113.2, NM_001040114.2); c.2141G>T, p.Gly714Val (NM_022844.3); short protein forms G714V, G721V.
Identifiers: ClinVar variation 521045 (VCV000521045.5), dbSNP rs1555560489, ClinGen allele CA394868050.

ClinVar aggregate classification (germline): Likely pathogenic (1 of 4 stars; one submission).

Conditions:
Familial thoracic aortic aneurysm and aortic dissection (TAAD). Also called: Thoracic aortic aneurysms and dissections. Identifiers: Orphanet 91387, MedGen C4707243, MONDO:0019625.

Submission:

Ambry Genetics
Classification: Likely pathogenic for Familial thoracic aortic aneurysm and aortic dissection. Last evaluated: 2026-04-20. Review status: criteria provided, single submitter. Criteria: Ambry Variant Classification Scheme 2023. Collection method: clinical testing. Allele origin: germline.
Comment: The c.2141G>T (p.G714V) alteration is located in exon 17 (coding exon 16) of the MYH11 gene. This alteration results from a G to T substitution at nucleotide position 2141, causing the glycine (G) at amino acid position 714 to be replaced by a valine (V). for MYH11-related megacystis-microcolon-intestinal hypoperistalsis syndrome; however, its clinical significance for autosomal dominant MYH11-related thoracic aortic aneurysm and dissection is uncertain. This variant was not reported in population-based cohorts in the Genome Aggregation Database (gnomAD). This variant has been identified in conjunction with other MYH11 variant(s) in individual(s) with features consistent with MYH11-related megacystis-microcolon-intestinal hypoperistalsis syndrome; in at least one instance, the variants were identified in trans (Kapur, 2023). This amino acid position is highly conserved in available vertebrate species. Based on internal structural analysis, this variant is anticipated to disrupt a region of known function (Sasaki, 2003; Koppole, 2007; Sirigu, 2016). This alteration is predicted to be deleterious by in silico analysis. Based on the available evidence, this alteration is classified as likely pathogenic.

Literature cited by the submitters: PubMed 8316857; PubMed 12515542; PubMed 17637343; PubMed 27815532; PubMed 36571289.